The following is an entry in ClinVar:

NM_016169.4(SUFU):c.736G>A (p.Glu246Lys)

Gene: SUFU (SUFU negative regulator of hedgehog signaling; plus strand). Cytogenetic location: 10q24.32.
Variant type: single nucleotide variant.
Coding change: c.736G>A on transcript NM_016169.4 (MANE Select); coding-DNA position 736, G replaced by A.
Protein change: p.Glu246Lys; replaces glutamic acid 246 with lysine.
Molecular consequence: missense variant.
Genome position (GRCh38, 1-based): chr10:102,594,045, G>A. VCF-style: chr10-102594045-G-A. GRCh37 (hg19) VCF-style: chr10-104353802-G-A.
Other names: c.736G>A, p.Glu246Lys (NM_001178133.2); short protein forms E246K.
Identifiers: ClinVar variation 5030428 (VCV005030428.1).

ClinVar aggregate classification (germline): Uncertain significance (1 of 4 stars; one submission).

Conditions:
Hereditary cancer-predisposing syndrome. Also called: Neoplastic Syndromes, Hereditary; Tumor predisposition; Hereditary neoplastic syndrome; Hereditary Cancer Syndrome. Identifiers: Orphanet 140162, MedGen C0027672, MeSH D009386, MONDO:0015356.

Submission:

Ambry Genetics
Classification: Uncertain significance for Hereditary cancer-predisposing syndrome. Last evaluated: 2026-07-07. Review status: criteria provided, single submitter. Criteria: Ambry Variant Classification Scheme 2023. Collection method: clinical testing. Allele origin: germline.
Comment: The p.E246K variant (also known as c.736G>A), located in coding exon 6 of the SUFU gene, results from a G to A substitution at nucleotide position 736. The glutamic acid at codon 246 is replaced by lysine, an amino acid with similar properties. This amino acid position is conserved. In addition, the in silico prediction for this alteration is inconclusive. Based on the available evidence, the clinical significance of this variant remains unclear.